The following is an entry in ClinVar:

ClinVar aggregate classification (germline): Uncertain significance (1 of 4 stars; one submission).

Conditions:
Tenorio syndrome (TNORS). Also called: OVERGROWTH, MACROCEPHALY, AND INTELLECTUAL DISABILITY SYNDROME. Identifiers: MedGen C4015710, MONDO:0014553, OMIM 616260.

gnomAD v4.1: 1 of 1,602,238 alleles (0.000062%); no homozygotes.

Submission:

Labcorp Genetics (formerly Invitae), Labcorp
Classification: Uncertain significance for Tenorio syndrome. Last evaluated: 2022-10-14. Review status: criteria provided, single submitter. Criteria: Invitae Variant Classification Sherloc (09022015). Collection method: clinical testing. Allele origin: germline.
Comment: In summary, the available evidence is currently insufficient to determine the role of this variant in disease. Therefore, it has been classified as a Variant of Uncertain Significance. Algorithms developed to predict the effect of sequence changes on RNA splicing suggest that this variant may create or strengthen a splice site. Algorithms developed to predict the effect of missense changes on protein structure and function are either unavailable or do not agree on the potential impact of this missense change (SIFT: "Deleterious"; PolyPhen-2: "Benign"; Align-GVGD: "Class C0"). This variant has not been reported in the literature in individuals affected with RNF125-related conditions. This variant is not present in population databases (gnomAD no frequency). This sequence change replaces alanine, which is neutral and non-polar, with valine, which is neutral and non-polar, at codon 137 of the RNF125 protein (p.Ala137Val).

NM_017831.4(RNF125):c.410C>T (p.Ala137Val)

Gene: RNF125 (ring finger protein 125; plus strand). Cytogenetic location: 18q12.1.
Variant type: single nucleotide variant.
Coding change: c.410C>T on transcript NM_017831.4 (MANE Select); coding-DNA position 410, C replaced by T.
Protein change: p.Ala137Val; replaces alanine 137 with valine.
Molecular consequence: missense variant.
Genome position (GRCh38, 1-based): chr18:32,042,270, C>T. VCF-style: chr18-32042270-C-T. GRCh37 (hg19) VCF-style: chr18-29622233-C-T.
Other names: short protein forms A137V.
Identifiers: ClinVar variation 1721637 (VCV001721637.5), dbSNP rs2510919564, ClinGen allele CA402254880.